The following is an entry in ClinVar:

ClinVar aggregate classification (germline): Uncertain significance. Review status: criteria provided, multiple submitters, no conflicts (2 of 4 stars). 3 submissions from 3 submitters: Uncertain significance (3). Last evaluated 2024-12-03.

Conditions:
Familial thoracic aortic aneurysm and aortic dissection (TAAD). Also called: Thoracic aortic aneurysms and dissections. Identifiers: Orphanet 91387, MedGen C4707243, MONDO:0019625.

Allele frequency attached by ClinVar (database versions not stated): gnomAD 0.00001; TOPMed 0.00001; gnomAD exomes 0.00002.
gnomAD v4.1: 25 of 1,535,004 alleles (0.0016%); highest among the groups gnomAD compares: Non-Finnish European, 0.0022%; no homozygotes.

Submissions (3):

Ambry Genetics
Classification: Uncertain significance for Familial thoracic aortic aneurysm and aortic dissection. Last evaluated: 2024-12-03. Review status: criteria provided, single submitter. Criteria: Ambry Variant Classification Scheme 2023. Collection method: clinical testing. Allele origin: germline.

Women's Health and Genetics/Laboratory Corporation of America, LabCorp
Classification: Uncertain significance. Last evaluated: 2023-08-24. Review status: criteria provided, single submitter. Criteria: LabCorp Variant Classification Summary - May 2015. Collection method: clinical testing. Allele origin: germline.

GeneDx
Classification: Uncertain significance. Last evaluated: 2017-08-16. Review status: criteria provided, single submitter. Criteria: GeneDx Variant Classification (06012015). Collection method: clinical testing. Allele origin: germline. Affected: yes.
Comment: A variant of uncertain significance has been identified in the SKI gene. The R714C variant has not been published as pathogenic or been reported as benign to our knowledge. Data from control individuals was not available to assess whether R714C may be a common benign variant in the general population. (Lek et al., 2016; Exome Variant Server). The R714C variant is a non-conservative amino acid substitution, which is likely to impact secondary protein structure as these residues differ in polarity, charge, size and/or other properties. However, this substitution occurs at a position that is not conserved, and in silico analysis predicts this variant likely does not alter the protein structure/function. Furthermore, no missense variants in nearby residues have been reported in the Human Gene Mutation Database in association with a SKI-related disorder (Stenson et al., 2014).

NM_003036.4(SKI):c.2140C>T (p.Arg714Cys)

Gene: SKI (SKI proto-oncogene; plus strand). Cytogenetic location: 1p36.32.
Variant type: single nucleotide variant.
Coding change: c.2140C>T on transcript NM_003036.4 (MANE Select); coding-DNA position 2140, C replaced by T.
Protein change: p.Arg714Cys; replaces arginine 714 with cysteine.
Molecular consequence: missense variant.
Genome position (GRCh38, 1-based): chr1:2,306,718, C>T. VCF-style: chr1-2306718-C-T. GRCh37 (hg19) VCF-style: chr1-2238157-C-T.
Other names: short protein forms R714C.
Identifiers: ClinVar variation 451473 (VCV000451473.4), dbSNP rs1361712039, ClinGen allele CA337959827.